The following is an entry in ClinVar:

NM_001999.4(FBN2):c.7013A>T (p.Asp2338Val)

Gene: FBN2 (fibrillin 2; minus strand). Cytogenetic location: 5q23.3.
Variant type: single nucleotide variant.
Coding change: c.7013A>T on transcript NM_001999.4 (MANE Select); coding-DNA position 7013, A replaced by T.
Protein change: p.Asp2338Val; replaces aspartic acid 2338 with valine.
Molecular consequence: missense variant.
Genome position (GRCh38, 1-based): chr5:128,280,317, T>A on the plus strand (A>T on the coding strand, the complement: FBN2 is on the minus strand). VCF-style: chr5-128280317-T-A. GRCh37 (hg19) VCF-style: chr5-127616009-T-A.
Other names: short protein forms D2338V.
Identifiers: ClinVar variation 3661721 (VCV003661721.2).
Genomic context (GRCh38, chr5:128,280,317, plus strand): 5'-ATAATGTTAACACAACGTCCATTTTCACAGATTCCTGGCTTGGTCCTGCATTCATTTTCA[T>A]CTTTAGAAAAACAAACAATATGAATAATGAGAAAACTGTCAAATTATAGTTTACAAGCTA-3'
Protein context (NP_001990.2, residues 2328-2348): ARRPDGEGCV[Asp2338Val]ENECRTKPGI

ClinVar aggregate classification (germline): Uncertain significance (1 of 4 stars; one submission).

Conditions:
Congenital contractural arachnodactyly (CCA). Also called: BEALS SYNDROME; Arthrogryposis, distal, type 9; Beals-Hecht syndrome. Identifiers: Orphanet 115, MedGen C0220668, MONDO:0007363, OMIM 121050.

Submission:

Labcorp Genetics (formerly Invitae), Labcorp
Classification: Uncertain significance for Congenital contractural arachnodactyly. Last evaluated: 2024-08-08. Review status: criteria provided, single submitter. Criteria: Invitae Variant Classification Sherloc (09022015). Collection method: clinical testing. Allele origin: germline.
Comment: This sequence change replaces aspartic acid, which is acidic and polar, with valine, which is neutral and non-polar, at codon 2338 of the FBN2 protein (p.Asp2338Val). This variant is not present in population databases (gnomAD no frequency). This variant has not been reported in the literature in individuals affected with FBN2-related conditions. An algorithm developed to predict the effect of missense changes on protein structure and function (PolyPhen-2) suggests that this variant is likely to be disruptive. In summary, the available evidence is currently insufficient to determine the role of this variant in disease. Therefore, it has been classified as a Variant of Uncertain Significance.